The following is an entry in ClinVar:

NM_001386795.1(DTNA):c.754A>G (p.Met252Val)

Gene: DTNA (dystrobrevin alpha; plus strand). Cytogenetic location: 18q12.1.
Variant type: single nucleotide variant.
Coding change: c.754A>G on transcript NM_001386795.1 (MANE Select); coding-DNA position 754, A replaced by G.
Protein change: p.Met252Val; replaces methionine 252 with valine.
Molecular consequence: missense variant. On other transcripts: intron variant (1).
Genome position (GRCh38, 1-based): chr18:34,818,208, A>G. VCF-style: chr18-34818208-A-G. GRCh37 (hg19) VCF-style: chr18-32398172-A-G.
Other names: c.754A>G, p.Met252Val (NM_001128175.2, NM_001198938.2, NM_001198939.2 and 34 more transcripts); c.4A>G, p.Met2Val (NM_001198943.1); c.603+6095A>G (NM_001198945.2); short protein forms M2V, M252V.
Identifiers: ClinVar variation 3011470 (VCV003011470.3), dbSNP rs747746690, ClinGen allele CA8935456.
Genomic context (GRCh38, chr18:34,818,208, plus strand): 5'-CTTACTTCCCCCTTAGTCTTCCATCCGGTTGAGTGTTCCTACTGCCACAGTGAGAGTATG[A>G]TGGGATTTCGCTACCGATGCCAACAGTGTCACAATTACCAGCTCTGTCAGGACTGCTTCT-3'
Protein context (NP_001373724.1, residues 242-262): ECSYCHSESM[Met252Val]GFRYRCQQCH

ClinVar aggregate classification (germline): Uncertain significance (1 of 4 stars; one submission).

Conditions:
Left ventricular noncompaction 1 (LVNC1). Also called: LEFT VENTRICULAR NONCOMPACTION 1 WITH OR WITHOUT CONGENITAL HEART DEFECTS. Identifiers: Orphanet 54260, MedGen C1858725, MONDO:0011403, OMIM 604169.

Allele frequency attached by ClinVar (database versions not stated): ExAC 0.00002.
gnomAD v4.1: 6 of 1,613,990 alleles (0.00037%); no homozygotes.

Submission:

Labcorp Genetics (formerly Invitae), Labcorp
Classification: Uncertain significance for Left ventricular noncompaction 1. Last evaluated: 2022-10-26. Review status: criteria provided, single submitter. Criteria: Invitae Variant Classification Sherloc (09022015). Collection method: clinical testing. Allele origin: germline.
Comment: This sequence change replaces methionine, which is neutral and non-polar, with valine, which is neutral and non-polar, at codon 252 of the DTNA protein (p.Met252Val). This variant is present in population databases (rs747746690, gnomAD 0.01%). This variant has not been reported in the literature in individuals affected with DTNA-related conditions. Advanced modeling of protein sequence and biophysical properties (such as structural, functional, and spatial information, amino acid conservation, physicochemical variation, residue mobility, and thermodynamic stability) performed at Invitae indicates that this missense variant is not expected to disrupt DTNA protein function. In summary, the available evidence is currently insufficient to determine the role of this variant in disease. Therefore, it has been classified as a Variant of Uncertain Significance.